The following is an entry in ClinVar:

NM_006206.6(PDGFRA):c.241T>G (p.Phe81Val)

Gene: PDGFRA (platelet derived growth factor receptor alpha; plus strand). Cytogenetic location: 4q12.
Variant type: single nucleotide variant.
Coding change: c.241T>G on transcript NM_006206.6 (MANE Select); coding-DNA position 241, T replaced by G.
Protein change: p.Phe81Val; replaces phenylalanine 81 with valine.
Molecular consequence: missense variant.
Genome position (GRCh38, 1-based): chr4:54,261,286, T>G. VCF-style: chr4-54261286-T-G. GRCh37 (hg19) VCF-style: chr4-55127453-T-G.
Other names: c.241T>G, p.Phe81Val (NM_001347827.2, NM_001347829.2); c.316T>G, p.Phe106Val (NM_001347828.2); c.280T>G, p.Phe94Val (NM_001347830.2); c.241T>G (NM_006206.4); short protein forms F106V, F81V, F94V.
Identifiers: ClinVar variation 1002040 (VCV001002040.8), dbSNP rs1722694048, ClinGen allele CA356888615.

ClinVar aggregate classification (germline): Uncertain significance. Review status: criteria provided, multiple submitters, no conflicts (2 of 4 stars). 2 submissions from 2 submitters: Uncertain significance (2). Last evaluated 2025-07-13.

Conditions:
Gastrointestinal stromal tumor. Also called: Gastrointestinal stromal tumor, somatic; Gastrointestinal stroma tumor. Identifiers: Orphanet 44890, MedGen C0238198, MeSH D046152, MONDO:0011719, OMIM 606764, HP:0100723.
Hereditary cancer-predisposing syndrome. Also called: Neoplastic Syndromes, Hereditary; Hereditary Cancer Syndrome; Hereditary neoplastic syndrome; Tumor predisposition. Identifiers: Orphanet 140162, MedGen C0027672, MeSH D009386, MONDO:0015356.

Submissions (2):

Ambry Genetics
Classification: Uncertain significance for Hereditary cancer-predisposing syndrome. Last evaluated: 2025-07-13. Review status: criteria provided, single submitter. Criteria: Ambry Variant Classification Scheme 2023. Collection method: clinical testing. Allele origin: germline.
Comment: The p.F81V variant (also known as c.241T>G), located in coding exon 2 of the PDGFRA gene, results from a T to G substitution at nucleotide position 241. The phenylalanine at codon 81 is replaced by valine, an amino acid with highly similar properties. This amino acid position is conserved. In addition, the in silico prediction for this alteration is inconclusive. Based on the available evidence, the clinical significance of this variant remains unclear.

Labcorp Genetics (formerly Invitae), Labcorp
Classification: Uncertain significance for Gastrointestinal stromal tumor. Last evaluated: 2021-09-20. Review status: criteria provided, single submitter. Criteria: Invitae Variant Classification Sherloc (09022015). Collection method: clinical testing. Allele origin: germline.
Comment: In summary, the available evidence is currently insufficient to determine the role of this variant in disease. Therefore, it has been classified as a Variant of Uncertain Significance. Algorithms developed to predict the effect of missense changes on protein structure and function are either unavailable or do not agree on the potential impact of this missense change (SIFT: "Deleterious"; PolyPhen-2: "Probably Damaging"; Align-GVGD: "Class C0"). This sequence change replaces phenylalanine with valine at codon 81 of the PDGFRA protein (p.Phe81Val). The phenylalanine residue is highly conserved and there is a small physicochemical difference between phenylalanine and valine. This variant has not been reported in the literature in individuals affected with PDGFRA-related conditions. This variant is not present in population databases (ExAC no frequency).